The following is an entry in ClinVar:

ClinVar aggregate classification (germline): Uncertain significance (1 of 4 stars; one submission).

Conditions:
Familial cancer of breast. Also called: Hereditary breast cancer; BREAST CANCER, FAMILIAL; hereditary breast carcinoma. Identifiers: Orphanet 227535, MedGen C0346153, MONDO:0016419, OMIM 114480. Disease mechanism: loss of function.

Submission:

Labcorp Genetics (formerly Invitae), Labcorp
Classification: Uncertain significance for Familial cancer of breast. Last evaluated: 2024-06-06. Review status: criteria provided, single submitter. Criteria: Invitae Variant Classification Sherloc (09022015). Collection method: clinical testing. Allele origin: germline.
Comment: This sequence change replaces leucine, which is neutral and non-polar, with phenylalanine, which is neutral and non-polar, at codon 289 of the PALB2 protein (p.Leu289Phe). This variant is not present in population databases (gnomAD no frequency). This variant has not been reported in the literature in individuals affected with PALB2-related conditions. Algorithms developed to predict the effect of missense changes on protein structure and function output the following: SIFT: "Not Available"; PolyPhen-2: "Probably Damaging"; Align-GVGD: "Not Available". The phenylalanine amino acid residue is found in multiple mammalian species, which suggests that this missense change does not adversely affect protein function. In summary, the available evidence is currently insufficient to determine the role of this variant in disease. Therefore, it has been classified as a Variant of Uncertain Significance.

NM_024675.4(PALB2):c.867G>C (p.Leu289Phe)

Gene: PALB2 (partner and localizer of BRCA2; minus strand). Cytogenetic location: 16p12.2.
Variant type: single nucleotide variant.
Coding change: c.867G>C on transcript NM_024675.4 (MANE Select); coding-DNA position 867, G replaced by C.
Protein change: p.Leu289Phe; replaces leucine 289 with phenylalanine.
Molecular consequence: missense variant. On other transcripts: 5 prime UTR variant (8), intron variant (3).
Genome position (GRCh38, 1-based): chr16:23,635,679, C>G on the plus strand (G>C on the coding strand, the complement: PALB2 is on the minus strand). VCF-style: chr16-23635679-C-G. GRCh37 (hg19) VCF-style: chr16-23647000-C-G.
Other names: c.807G>C, p.Leu269Phe (NM_001407296.1); c.867G>C, p.Leu289Phe (NM_001407297.1, NM_001407298.1, NM_001407299.1 and 3 more transcripts); c.-19G>C (NM_001407304.1, NM_001407305.1, NM_001407306.1 and 5 more transcripts); c.48+5431G>C (NM_001407314.1); c.-104-5210G>C (NM_001407313.1, NM_001407312.1); short protein forms L269F, L289F.
Identifiers: ClinVar variation 3707172 (VCV003707172.2).